The following is an entry in ClinVar:

ClinVar aggregate classification (germline): Benign. Review status: criteria provided, multiple submitters, no conflicts (2 of 4 stars). 2 submissions from 2 submitters: Benign (2). Last evaluated 2018-01-12.

Conditions:
Bardet-Biedl syndrome 7 (BBS7). Identifiers: Orphanet 110, MedGen C1859565, MONDO:0014435, OMIM 615984.

Allele frequency attached by ClinVar (database versions not stated): gnomAD 0.00843 and 0.00908; TOPMed 0.01468; 1000 Genomes Project 0.01857; 1000 Genomes Project 30x 0.01999.

Submissions (2):

Illumina Laboratory Services, Illumina
Classification: Benign for Bardet-Biedl syndrome 7. Last evaluated: 2018-01-12. Review status: criteria provided, single submitter. Criteria: ICSL Variant Classification Criteria 13 December 2019. Collection method: clinical testing. Allele origin: germline.
Comment: This variant was observed in the ICSL laboratory as part of a predisposition screen in an ostensibly healthy population. It had not been previously curated by ICSL or reported in the Human Gene Mutation Database (HGMD: prior to June 1st, 2018), and was therefore a candidate for classification through an automated scoring system. Utilizing variant allele frequency, disease prevalence and penetrance estimates, and inheritance mode, an automated score was calculated to assess if this variant is too frequent to cause the disease. Based on the score and internal cut-off values, a variant classified as benign is not then subjected to further curation. The score for this variant resulted in a classification of benign for this disease.

Breakthrough Genomics
Classification: Benign. Review status: criteria provided, single submitter. Criteria: ACMG Guidelines, 2015. Collection method: not provided. Allele origin: germline. Inheritance: Autosomal recessive inheritance. Affected: yes.

NM_176824.3(BBS7):c.*1202G>A

Gene: BBS7 (Bardet-Biedl syndrome 7; minus strand). Cytogenetic location: 4q27.
Variant type: single nucleotide variant.
Coding change: c.*1202G>A on transcript NM_176824.3 (MANE Select); 1202 bases downstream of the stop codon, G replaced by A.
Molecular consequence: 3 prime UTR variant.
Genome position (GRCh38, 1-based): chr4:121,824,658, C>T on the plus strand (G>A on the coding strand, the complement: BBS7 is on the minus strand). VCF-style: chr4-121824658-C-T. GRCh37 (hg19) VCF-style: chr4-122745813-C-T.
Identifiers: ClinVar variation 347467 (VCV000347467.6), dbSNP rs3217756, ClinGen allele CA10620025.